The following is an entry in ClinVar:

ClinVar aggregate classification (germline): Pathogenic (1 of 4 stars; one submission).

Submission:

Labcorp Genetics (formerly Invitae), Labcorp
Classification: Pathogenic. Last evaluated: 2023-02-20. Review status: criteria provided, single submitter. Criteria: Invitae Variant Classification Sherloc (09022015). Collection method: clinical testing. Allele origin: germline.
Comment: For these reasons, this variant has been classified as Pathogenic. This variant has not been reported in the literature in individuals affected with RIN2-related conditions. This variant is not present in population databases (gnomAD no frequency). This sequence change creates a premature translational stop signal (p.Asn44Metfs*12) in the RIN2 gene. It is expected to result in an absent or disrupted protein product. Loss-of-function variants in RIN2 are known to be pathogenic (PMID: 19631308).

Literature cited by the submitters: PubMed 19631308.

NM_018993.4(RIN2):c.131del (p.Asn44fs)

Gene: RIN2 (Ras and Rab interactor 2; plus strand). Cytogenetic location: 20p11.23.
Variant type: Deletion.
Coding change: c.131del on transcript NM_018993.4 (MANE Select); coding-DNA position 131, one base deleted (A; older notation c.131delA).
Protein change: p.Asn44fs; shifts the reading frame from asparagine 44.
Molecular consequence: frameshift variant. On other transcripts: 5 prime UTR variant (1).
Genome position (GRCh38, 1-based): chr20:19,935,172, A deleted; the last of 4 consecutive A bases (chr20:19,935,169-19,935,172); deleting any one gives the same sequence. VCF-style (leftmost placement, unchanged base first): chr20-19935168-GA-G. GRCh37 (hg19) VCF-style: chr20-19915812-GA-G.
Other names: c.278del, p.Asn93fs (NM_001242581.2); c.-415del (NM_001378238.1); short protein forms N44fs, N93fs.
Identifiers: ClinVar variation 2793456 (VCV002793456.3), dbSNP rs1268962372, ClinGen allele CA741938252.